The following is an entry in ClinVar:

ClinVar aggregate classification (germline): Likely benign. Review status: criteria provided, single submitter (1 of 4 stars). 2 submissions from 2 submitters: Likely benign (1). 1 of the submissions does not count toward it. Last evaluated 2026-08-01.

Conditions:
CTNND1-related disorder. Also called: CTNND1-related condition.

Allele frequency attached by ClinVar (database versions not stated): gnomAD exomes 0.00007; ExAC 0.00014; TOPMed 0.00045; gnomAD 0.00049; 1000 Genomes Project 0.00060; ESP Exome Variant Server 0.00064; 1000 Genomes Project 30x 0.00078.
gnomAD v4.1: 209 of 1,614,016 alleles (0.013%); highest among the groups gnomAD compares: African/African-American, 0.21%; 1 homozygote.

Submissions (2):

CeGaT Center for Human Genetics Tuebingen
Classification: Likely benign. Last evaluated: 2026-08-01. Review status: criteria provided, single submitter. Criteria: CeGaT Center For Human Genetics Tuebingen Variant Classification Criteria Version 2. Collection method: clinical testing. Allele origin: germline. Affected: yes. Observed: 1 variant allele.
Comment: CTNND1: BP4, BP7

PreventionGenetics, part of Exact Sciences
Classification: Likely benign for CTNND1-related condition. Last evaluated: 2019-10-28. Review status: no assertion criteria provided. Collection method: clinical testing. Allele origin: germline. Not counted in ClinVar's aggregate classification.
Comment: This variant is classified as likely benign based on ACMG/AMP sequence variant interpretation guidelines (Richards et al. 2015 PMID: 25741868, with internal and published modifications).

NM_001085458.2(CTNND1):c.1152C>T (p.Ser384=)

Genes: CTNND1 (catenin delta 1; plus strand), TMX2-CTNND1 (TMX2-CTNND1 readthrough (NMD candidate); plus strand). Cytogenetic location: 11q12.1.
Variant type: single nucleotide variant.
Coding change: c.1152C>T on transcript NM_001085458.2 (MANE Select); coding-DNA position 1152, C replaced by T.
Protein change: p.Ser384=; no amino-acid change (serine 384 retained).
Molecular consequence: synonymous variant. On other transcripts: non-coding transcript variant (1).
Genome position (GRCh38, 1-based): chr11:57,801,928, C>T. VCF-style: chr11-57801928-C-T. GRCh37 (hg19) VCF-style: chr11-57569400-C-T.
Other names: c.1152C>T, p.Ser384= (NM_001085459.2, NM_001085460.2, NM_001085461.2 and 3 more transcripts); c.849C>T, p.Ser283= (NM_001085463.2, NM_001085464.2, NM_001085465.2 and 5 more transcripts); c.990C>T, p.Ser330= (NM_001206883.2, NM_001206884.2, NM_001206886.2 and 4 more transcripts).
Identifiers: ClinVar variation 3045818 (VCV003045818.3), dbSNP rs112713987, ClinGen allele CA6010383.